The following is an entry in ClinVar:

NM_003978.5(PSTPIP1):c.493G>A (p.Gly165Ser)

Gene: PSTPIP1 (proline-serine-threonine phosphatase interacting protein 1; plus strand). Cytogenetic location: 15q24.3.
Variant type: single nucleotide variant.
Coding change: c.493G>A on transcript NM_003978.5 (MANE Select); coding-DNA position 493, G replaced by A.
Protein change: p.Gly165Ser; replaces glycine 165 with serine.
Molecular consequence: missense variant. On other transcripts: non-coding transcript variant (1).
Genome position (GRCh38, 1-based): chr15:77,028,629, G>A. VCF-style: chr15-77028629-G-A. GRCh37 (hg19) VCF-style: chr15-77320970-G-A.
Other names: c.493G>A, p.Gly165Ser (NM_001321135.2); c.466G>A, p.Gly156Ser (NM_001321136.2); c.688G>A, p.Gly230Ser (NM_001321137.1); short protein forms G165S, G156S, G230S.
Identifiers: ClinVar variation 440210 (VCV000440210.40), dbSNP rs762291063, ClinGen allele CA7675838.

ClinVar aggregate classification (germline): Conflicting classifications of pathogenicity. Review status: criteria provided, conflicting classifications (1 of 4 stars). 3 submissions from 3 submitters: Uncertain significance (2); Likely benign (1). Last evaluated 2026-06-01.

Conditions:
Pyogenic arthritis-pyoderma gangrenosum-acne syndrome (PAPA). Also called: PAPA SYNDROME; FAMILIAL RECURRENT ARTHRITIS. Identifiers: Orphanet 69126, MedGen C1858361, MONDO:0011462, OMIM 604416.

Allele frequency attached by ClinVar (database versions not stated): ExAC below 0.00001; gnomAD 0.00001; gnomAD exomes 0.00002 and 0.00003; TOPMed 0.00004.
gnomAD v4.1: 27 of 1,583,266 alleles (0.0017%); highest among the groups gnomAD compares: Non-Finnish European, 0.0018%; no homozygotes.

Submissions (3):

CeGaT Center for Human Genetics Tuebingen
Classification: Likely benign. Last evaluated: 2026-06-01. Review status: criteria provided, single submitter. Criteria: CeGaT Center For Human Genetics Tuebingen Variant Classification Criteria Version 2. Collection method: clinical testing. Allele origin: germline. Affected: yes. Observed: 2 variant alleles.
Comment: PSTPIP1: PM2:Supporting, BP4, BP5

Labcorp Genetics (formerly Invitae), Labcorp
Classification: Uncertain significance for Pyogenic arthritis-pyoderma gangrenosum-acne syndrome. Last evaluated: 2025-06-10. Review status: criteria provided, single submitter. Criteria: Invitae Variant Classification Sherloc (09022015). Collection method: clinical testing. Allele origin: germline.
Comment: This sequence change replaces glycine, which is neutral and non-polar, with serine, which is neutral and polar, at codon 165 of the PSTPIP1 protein (p.Gly165Ser). This variant is present in population databases (rs762291063, gnomAD 0.007%). This variant has not been reported in the literature in individuals affected with PSTPIP1-related conditions. ClinVar contains an entry for this variant (Variation ID: 440210). Invitae Evidence Modeling of protein sequence and biophysical properties (such as structural, functional, and spatial information, amino acid conservation, physicochemical variation, residue mobility, and thermodynamic stability) indicates that this missense variant is not expected to disrupt PSTPIP1 protein function with a negative predictive value of 80%. In summary, the available evidence is currently insufficient to determine the role of this variant in disease. Therefore, it has been classified as a Variant of Uncertain Significance.

ARUP Laboratories, Molecular Genetics and Genomics, ARUP Laboratories
Classification: Uncertain significance. Last evaluated: 2016-12-23. Review status: criteria provided, single submitter. Criteria: ARUP Molecular Germline Variant Investigation Process. Collection method: clinical testing. Allele origin: germline.